The following is an entry in ClinVar:

ClinVar aggregate classification (germline): Uncertain significance (1 of 4 stars; one submission).

Allele frequency attached by ClinVar (database versions not stated): gnomAD exomes below 0.00001.
gnomAD v4.1: 2 of 1,613,734 alleles (0.00012%); highest among the groups gnomAD compares: Non-Finnish European, 0.00017%; no homozygotes.

Submission:

Labcorp Genetics (formerly Invitae), Labcorp
Classification: Uncertain significance. Last evaluated: 2024-01-18. Review status: criteria provided, single submitter. Criteria: Invitae Variant Classification Sherloc (09022015). Collection method: clinical testing. Allele origin: germline.
Comment: This sequence change creates a premature translational stop signal (p.Arg238*) in the MAP3K7 gene. It is expected to result in an absent or disrupted protein product. However, the current clinical and genetic evidence is not sufficient to establish whether loss-of-function variants in MAP3K7 cause disease. This variant is not present in population databases (gnomAD no frequency). This variant has not been reported in the literature in individuals affected with MAP3K7-related conditions. In summary, the available evidence is currently insufficient to determine the role of this variant in disease. Therefore, it has been classified as a Variant of Uncertain Significance.

NM_145331.3(MAP3K7):c.712C>T (p.Arg238Ter)

Gene: MAP3K7 (mitogen-activated protein kinase kinase kinase 7; minus strand). Cytogenetic location: 6q15.
Variant type: single nucleotide variant.
Coding change: c.712C>T on transcript NM_145331.3 (MANE Select); coding-DNA position 712, C replaced by T.
Protein change: p.Arg238Ter; replaces arginine 238 with a stop codon.
Molecular consequence: nonsense.
Genome position (GRCh38, 1-based): chr6:90,553,482, G>A on the plus strand (C>T on the coding strand, the complement: MAP3K7 is on the minus strand). VCF-style: chr6-90553482-G-A. GRCh37 (hg19) VCF-style: chr6-91263201-G-A.
Other names: c.712C>T, p.Arg238Ter (NM_003188.4, NM_145332.3, NM_145333.3); short protein forms R238*.
Identifiers: ClinVar variation 2796933 (VCV002796933.3), dbSNP rs2481821886, ClinGen allele CA365012206.